The following is an entry in ClinVar:

ClinVar aggregate classification (germline): Likely benign. Review status: criteria provided, multiple submitters, no conflicts (2 of 4 stars). 3 submissions from 3 submitters: Likely benign (2). 1 of the submissions does not count toward it. Last evaluated 2025-11-19.

Conditions:
JAM3-related disorder. Also called: JAM3-related condition.

Allele frequency attached by ClinVar (database versions not stated): ExAC 0.00051; 1000 Genomes Project 0.00140; 1000 Genomes Project 30x 0.00156; ESP Exome Variant Server 0.00169; gnomAD 0.00170 and 0.00183; TOPMed 0.00192; gnomAD exomes 0.00045.

Submissions (3):

Labcorp Genetics (formerly Invitae), Labcorp
Classification: Likely benign. Last evaluated: 2025-11-19. Review status: criteria provided, single submitter. Criteria: Invitae Variant Classification Sherloc (09022015). Collection method: clinical testing. Allele origin: germline.

GeneDx
Classification: Likely benign. Last evaluated: 2020-04-09. Review status: criteria provided, single submitter. Criteria: GeneDx Variant Classification Process June 2021. Collection method: clinical testing. Allele origin: germline. Affected: yes.

PreventionGenetics, part of Exact Sciences
Classification: Likely benign for JAM3-related condition. Last evaluated: 2019-07-31. Review status: no assertion criteria provided. Collection method: clinical testing. Allele origin: germline. Not counted in ClinVar's aggregate classification.
Comment: This variant is classified as likely benign based on ACMG/AMP sequence variant interpretation guidelines (Richards et al. 2015 PMID: 25741868, with internal and published modifications).

NM_032801.5(JAM3):c.613G>A (p.Val205Met)

Gene: JAM3 (junctional adhesion molecule 3; plus strand). Cytogenetic location: 11q25.
Variant type: single nucleotide variant.
Coding change: c.613G>A on transcript NM_032801.5 (MANE Select); coding-DNA position 613, G replaced by A.
Protein change: p.Val205Met; replaces valine 205 with methionine.
Molecular consequence: missense variant.
Genome position (GRCh38, 1-based): chr11:134,145,946, G>A. VCF-style: chr11-134145946-G-A. GRCh37 (hg19) VCF-style: chr11-134015841-G-A.
Other names: c.460G>A, p.Val154Met (NM_001205329.2); short protein forms V205M, V154M.
Identifiers: ClinVar variation 709889 (VCV000709889.14), dbSNP rs148544487, ClinGen allele CA6370123.